The following is an entry in ClinVar:

ClinVar aggregate classification (germline): Uncertain significance (1 of 4 stars; one submission).

Submission:

Labcorp Genetics (formerly Invitae), Labcorp
Classification: Uncertain significance. Last evaluated: 2023-09-22. Review status: criteria provided, single submitter. Criteria: Invitae Variant Classification Sherloc (09022015). Collection method: clinical testing. Allele origin: germline.
Comment: In summary, the available evidence is currently insufficient to determine the role of this variant in disease. Therefore, it has been classified as a Variant of Uncertain Significance. An algorithm developed to predict the effect of missense changes on protein structure and function (PolyPhen-2) suggests that this variant is likely to be disruptive. This variant has not been reported in the literature in individuals affected with WDR1-related conditions. This variant is not present in population databases (gnomAD no frequency). This sequence change replaces threonine, which is neutral and polar, with alanine, which is neutral and non-polar, at codon 391 of the WDR1 protein (p.Thr391Ala).

NM_017491.5(WDR1):c.1171A>G (p.Thr391Ala)

Gene: WDR1 (WD repeat domain 1; minus strand). Cytogenetic location: 4p16.1.
Variant type: single nucleotide variant.
Coding change: c.1171A>G on transcript NM_017491.5 (MANE Select); coding-DNA position 1171, A replaced by G.
Protein change: p.Thr391Ala; replaces threonine 391 with alanine.
Molecular consequence: missense variant.
Genome position (GRCh38, 1-based): chr4:10,083,047, T>C on the plus strand (A>G on the coding strand, the complement: WDR1 is on the minus strand). VCF-style: chr4-10083047-T-C. GRCh37 (hg19) VCF-style: chr4-10084671-T-C.
Other names: c.751A>G, p.Thr251Ala (NM_005112.5); short protein forms T391A, T251A.
Identifiers: ClinVar variation 2753611 (VCV002753611.3), dbSNP rs1578419459, ClinGen allele CA356359359.